The following is an entry in ClinVar:

NM_000257.4(MYH7):c.3492C>A (p.Asn1164Lys)

Gene: MYH7 (myosin heavy chain 7; minus strand). Cytogenetic location: 14q11.2.
Variant type: single nucleotide variant.
Coding change: c.3492C>A on transcript NM_000257.4 (MANE Select); coding-DNA position 3492, C replaced by A.
Protein change: p.Asn1164Lys; replaces asparagine 1164 with lysine.
Molecular consequence: missense variant.
Genome position (GRCh38, 1-based): chr14:23,420,079, G>T on the plus strand (C>A on the coding strand, the complement: MYH7 is on the minus strand). VCF-style: chr14-23420079-G-T. GRCh37 (hg19) VCF-style: chr14-23889288-G-T.
Other names: p.N1164K:AAC>AAA; c.3492C>A (LRG_384t1); short protein forms N1164K.
Identifiers: ClinVar variation 181225 (VCV000181225.13), dbSNP rs730880777, ClinGen allele CA013782.

ClinVar aggregate classification (germline): Uncertain significance. Review status: criteria provided, multiple submitters, no conflicts (2 of 4 stars). 4 submissions from 4 submitters: Uncertain significance (4). Last evaluated 2026-01-11.

Conditions:
Cardiovascular phenotype. Identifiers: MedGen CN230736.
Hypertrophic cardiomyopathy. Also called: HYPERTROPHIC MYOCARDIOPATHY. Identifiers: Orphanet 217569, MedGen C0007194, MeSH D002312, MONDO:0005045, HP:0001639.

Submissions (4):

Women's Health and Genetics/Laboratory Corporation of America, LabCorp
Classification: Uncertain significance. Last evaluated: 2026-01-11. Review status: criteria provided, single submitter. Criteria: LabCorp Variant Classification Summary - May 2015. Collection method: clinical testing. Allele origin: germline.
Comment: Variant summary: MYH7 c.3492C>A (p.Asn1164Lys) results in a non-conservative amino acid change in the encoded protein sequence. Algorithms developed to predict the effect of missense changes on protein structure and function all suggest that this variant is likely to be disruptive. The frequency data for this variant in gnomAD is considered unreliable, as metrics indicate poor data quality at this position. c.3492C>A has been observed in individual(s) affected with hypertrophic cardiomyopathy (example: Murphy_2016). These report(s) do not provide unequivocal conclusions about association of the variant with Cardiomyopathy. To our knowledge, no experimental evidence demonstrating an impact on protein function has been reported. The following publication has been ascertained in the context of this evaluation (PMID: 26914223). ClinVar contains an entry for this variant (Variation ID: 181225). Based on the evidence outlined above, the variant was classified as uncertain significance.

Labcorp Genetics (formerly Invitae), Labcorp
Classification: Uncertain significance for Hypertrophic cardiomyopathy. Last evaluated: 2025-03-19. Review status: criteria provided, single submitter. Criteria: Invitae Variant Classification Sherloc (09022015). Collection method: clinical testing. Allele origin: germline.
Comment: This sequence change replaces asparagine, which is neutral and polar, with lysine, which is basic and polar, at codon 1164 of the MYH7 protein (p.Asn1164Lys). This variant is not present in population databases (gnomAD no frequency). This variant has not been reported in the literature in individuals affected with MYH7-related conditions. ClinVar contains an entry for this variant (Variation ID: 181225). Invitae Evidence Modeling of protein sequence and biophysical properties (such as structural, functional, and spatial information, amino acid conservation, physicochemical variation, residue mobility, and thermodynamic stability) indicates that this missense variant is expected to disrupt MYH7 protein function with a positive predictive value of 95%. In summary, the available evidence is currently insufficient to determine the role of this variant in disease. Therefore, it has been classified as a Variant of Uncertain Significance.

Ambry Genetics
Classification: Uncertain significance for Cardiovascular phenotype. Last evaluated: 2023-02-21. Review status: criteria provided, single submitter. Criteria: Ambry Variant Classification Scheme 2023. Collection method: clinical testing. Allele origin: germline.
Comment: The p.N1164K variant (also known as c.3492C>A), located in coding exon 25 of the MYH7 gene, results from a C to A substitution at nucleotide position 3492. The asparagine at codon 1164 is replaced by lysine, an amino acid with similar properties. This variant has been detected in an individual from a hypertrophic cardiomyopathy cohort (Murphy SL et al. J Cardiovasc Transl Res. 2016 Apr;9(2):153-61). This amino acid position is highly conserved in available vertebrate species. In addition, the in silico prediction for this alteration is inconclusive. Since supporting evidence is limited at this time, the clinical significance of this alteration remains unclear.

GeneDx
Classification: Uncertain significance. Last evaluated: 2013-05-08. Review status: criteria provided, single submitter. Criteria: GeneDx Variant Classification (06012015). Collection method: clinical testing. Allele origin: germline. Affected: yes.
Comment: p.Asn1164Lys (AAC>AAA): c.3492 C>A in exon 27 of the MYH7 gene (NM_000257.2). The Asn1164Lys variant in the MYH7 gene has not been reported as a disease-causing mutation or as a benign polymorphism to our knowledge. Asn1164Lys results in a semi-conservative amino acid substitution of a neutral, polar Asparagine with a positively charged Lysine at a position that is conserved across species. In silico analysis predicts Asn1164Lys is probably damaging to the protein structure/function. The Asn1164Lys variant was not observed in approximately 6,000 individuals of European and African American ancestry in the NHLBI Exome Sequencing Project, indicating it is not a common benign variant in these populations. Nevertheless, no mutations in nearby codons have been reported in association with cardiomyopathy. With the clinical and molecular information available at this time, we cannot definitively determine if Asn1164Lys is a disease-causing mutation or a rare benign variant. The variant is found in HCM panel(s).

Literature cited by the submitters: PubMed 26914223 (cited by Women's Health and Genetics/Laboratory Corporation of America, LabCorp and Ambry Genetics).